The following is an entry in ClinVar:

ClinVar aggregate classification (germline): Likely benign (0 of 4 stars; one submission).

Conditions:
DNAH17-related disorder. Also called: DNAH17-related condition.

Allele frequency attached by ClinVar (database versions not stated): ExAC 0.00002; ESP Exome Variant Server 0.00008; TOPMed 0.00008; gnomAD 0.00009.
gnomAD v4.1: 23 of 1,569,368 alleles (0.0015%); highest among the groups gnomAD compares: African/African-American, 0.029%; no homozygotes.

Submission:

PreventionGenetics, part of Exact Sciences
Classification: Likely benign for DNAH17-related condition. Last evaluated: 2019-08-09. Review status: no assertion criteria provided. Collection method: clinical testing. Allele origin: germline.
Comment: This variant is classified as likely benign based on ACMG/AMP sequence variant interpretation guidelines (Richards et al. 2015 PMID: 25741868, with internal and published modifications).

NM_173628.4(DNAH17):c.2533-5T>C

Gene: DNAH17 (dynein axonemal heavy chain 17; minus strand). Cytogenetic location: 17q25.3.
Variant type: single nucleotide variant.
Coding change: c.2533-5T>C on transcript NM_173628.4 (MANE Select); 5 bases into the intron before coding-DNA position 2533, T replaced by C.
Molecular consequence: intron variant.
Genome position (GRCh38, 1-based): chr17:78,539,885, A>G on the plus strand (T>C on the coding strand, the complement: DNAH17 is on the minus strand). VCF-style: chr17-78539885-A-G. GRCh37 (hg19) VCF-style: chr17-76535967-A-G.
Identifiers: ClinVar variation 3035379 (VCV003035379.2), dbSNP rs370751607, ClinGen allele CA8804601.